The following is an entry in ClinVar:

NM_001852.4(COL9A2):c.1215G>A (p.Gln405=)

Gene: COL9A2 (collagen type IX alpha 2 chain; minus strand). Cytogenetic location: 1p34.2.
Variant type: single nucleotide variant.
Coding change: c.1215G>A on transcript NM_001852.4 (MANE Select); coding-DNA position 1215, G replaced by A.
Protein change: p.Gln405=; no amino-acid change (glutamine 405 retained).
Molecular consequence: synonymous variant.
Genome position (GRCh38, 1-based): chr1:40,304,476, C>T on the plus strand (G>A on the coding strand, the complement: COL9A2 is on the minus strand). VCF-style: chr1-40304476-C-T. GRCh37 (hg19) VCF-style: chr1-40770148-C-T.
Identifiers: ClinVar variation 3372286 (VCV003372286.1).

ClinVar aggregate classification (germline): Uncertain significance (1 of 4 stars; one submission).

Submission:

GeneDx
Classification: Uncertain significance. Last evaluated: 2024-04-09. Review status: criteria provided, single submitter. Criteria: GeneDx Variant Classification Process June 2021. Collection method: clinical testing. Allele origin: germline. Affected: yes.
Comment: Not observed at significant frequency in large population cohorts (gnomAD); In silico analysis supports a deleterious effect on splicing; Has not been previously published as pathogenic or benign to our knowledge